The following is an entry in ClinVar:

NM_025144.4(ALPK1):c.658T>C (p.Ser220Pro)

Gene: ALPK1 (alpha kinase 1; plus strand). Cytogenetic location: 4q25.
Variant type: single nucleotide variant.
Coding change: c.658T>C on transcript NM_025144.4 (MANE Select); coding-DNA position 658, T replaced by C.
Protein change: p.Ser220Pro; replaces serine 220 with proline.
Molecular consequence: missense variant.
Genome position (GRCh38, 1-based): chr4:112,426,502, T>C. VCF-style: chr4-112426502-T-C. GRCh37 (hg19) VCF-style: chr4-113347658-T-C.
Other names: c.658T>C, p.Ser220Pro (NM_001102406.2); c.424T>C, p.Ser142Pro (NM_001253884.2); short protein forms S142P, S220P.
Identifiers: ClinVar variation 4686931 (VCV004686931.1).

ClinVar aggregate classification (germline): Uncertain significance (1 of 4 stars; one submission).

gnomAD v4.1: 1 of 1,597,926 alleles (0.000063%); no homozygotes.

Submission:

GeneDx
Classification: Uncertain significance. Last evaluated: 2025-07-23. Review status: criteria provided, single submitter. Criteria: GeneDx Variant Classification Process June 2021. Collection method: clinical testing. Allele origin: germline. Affected: yes.
Comment: Not observed at significant frequency in large population cohorts (gnomAD); In silico analysis suggests that this missense variant does not alter protein structure/function; Has not been previously published as pathogenic or benign to our knowledge